The following is an entry in ClinVar:

ClinVar aggregate classification (germline): Uncertain significance (1 of 4 stars; one submission).

Conditions:
Immunodeficiency 67. Also called: Immunodeficiency due to interleukin-1 receptor-associated kinase-4 deficiency. Identifiers: Orphanet 70592, MedGen C1843256, MONDO:0011888, OMIM 607676.

Allele frequency attached by ClinVar (database versions not stated): ExAC 0.00001; gnomAD exomes 0.00001.
gnomAD v4.1: 3 of 1,608,564 alleles (0.00019%); highest among the groups gnomAD compares: Admixed American, 0.0034%; no homozygotes.

Submission:

Labcorp Genetics (formerly Invitae), Labcorp
Classification: Uncertain significance for Immunodeficiency 67. Last evaluated: 2022-02-10. Review status: criteria provided, single submitter. Criteria: Invitae Variant Classification Sherloc (09022015). Collection method: clinical testing. Allele origin: germline.
Comment: In summary, the available evidence is currently insufficient to determine the role of this variant in disease. Therefore, it has been classified as a Variant of Uncertain Significance. Advanced modeling of protein sequence and biophysical properties (such as structural, functional, and spatial information, amino acid conservation, physicochemical variation, residue mobility, and thermodynamic stability) performed at Invitae indicates that this missense variant is not expected to disrupt IRAK4 protein function. ClinVar contains an entry for this variant (Variation ID: 999338). This variant has not been reported in the literature in individuals affected with IRAK4-related conditions. This variant is present in population databases (rs758846627, gnomAD 0.006%). This sequence change replaces isoleucine, which is neutral and non-polar, with valine, which is neutral and non-polar, at codon 414 of the IRAK4 protein (p.Ile414Val).

NM_016123.4(IRAK4):c.1240A>G (p.Ile414Val)

Gene: IRAK4 (interleukin 1 receptor associated kinase 4; plus strand). Cytogenetic location: 12q12.
Variant type: single nucleotide variant.
Coding change: c.1240A>G on transcript NM_016123.4 (MANE Select); coding-DNA position 1240, A replaced by G.
Protein change: p.Ile414Val; replaces isoleucine 414 with valine.
Molecular consequence: missense variant.
Genome position (GRCh38, 1-based): chr12:43,786,450, A>G. VCF-style: chr12-43786450-A-G. GRCh37 (hg19) VCF-style: chr12-44180253-A-G.
Other names: c.1240A>G, p.Ile414Val (NM_001114182.3, NM_001351345.2); c.868A>G, p.Ile290Val (NM_001145256.2, NM_001145257.2, NM_001145258.2 and 5 more transcripts); c.631A>G, p.Ile211Val (NM_001351343.2, NM_001351344.2); short protein forms I211V, I290V, I414V.
Identifiers: ClinVar variation 999338 (VCV000999338.9), dbSNP rs758846627, ClinGen allele CA6522622.